The following is an entry in ClinVar:

ClinVar aggregate classification (germline): Benign (1 of 4 stars; one submission).

Allele frequency attached by ClinVar (database versions not stated): 1000 Genomes Project 30x 0.24859; 1000 Genomes Project 0.25140; TOPMed 0.33344; gnomAD 0.36022 and 0.36176.
gnomAD v4.1: 54,966 of 151,916 alleles (36%); highest among the groups gnomAD compares: Non-Finnish European, 51%; 12,684 homozygotes.

Submission:

GeneDx
Classification: Benign. Last evaluated: 2018-06-18. Review status: criteria provided, single submitter. Criteria: GeneDx Variant Classification (06012015). Collection method: clinical testing. Allele origin: germline. Affected: yes.
Comment: This variant is considered likely benign or benign based on one or more of the following criteria: it is a conservative change, it occurs at a poorly conserved position in the protein, it is predicted to be benign by multiple in silico algorithms, and/or has population frequency not consistent with disease.

NM_001035.3(RYR2):c.4910+326C>T

Gene: RYR2 (ryanodine receptor 2; plus strand). Cytogenetic location: 1q43.
Variant type: single nucleotide variant.
Coding change: c.4910+326C>T on transcript NM_001035.3 (MANE Select); 326 bases into the intron after coding-DNA position 4910, C replaced by T.
Molecular consequence: intron variant.
Genome position (GRCh38, 1-based): chr1:237,611,314, C>T. VCF-style: chr1-237611314-C-T. GRCh37 (hg19) VCF-style: chr1-237774614-C-T.
Identifiers: ClinVar variation 683782 (VCV000683782.1), dbSNP rs12121663, ClinGen allele CA10827240.